The following is an entry in ClinVar:

NM_000350.3(ABCA4):c.4774-1G>T

Genes: ABCA4 (ATP binding cassette subfamily A member 4; minus strand), LOC126805793 (CDK7 strongly-dependent group 2 enhancer GRCh37_chr1:94486302-94487501; plus strand). Cytogenetic location: 1p22.1.
Variant type: single nucleotide variant.
Coding change: c.4774-1G>T on transcript NM_000350.3 (MANE Select); the canonical splice acceptor site of the intron before coding-DNA position 4774, G replaced by T.
Molecular consequence: splice acceptor variant.
Genome position (GRCh38, 1-based): chr1:94,021,715, C>A on the plus strand (G>T on the coding strand, the complement: ABCA4 is on the minus strand). VCF-style: chr1-94021715-C-A. GRCh37 (hg19) VCF-style: chr1-94487271-C-A.
Identifiers: ClinVar variation 1395858 (VCV001395858.6), dbSNP rs2101023641, ClinGen allele CA341283726.

ClinVar aggregate classification (germline): Pathogenic (1 of 4 stars; one submission).

Submission:

Labcorp Genetics (formerly Invitae), Labcorp
Classification: Pathogenic. Last evaluated: 2021-10-07. Review status: criteria provided, single submitter. Criteria: Invitae Variant Classification Sherloc (09022015). Collection method: clinical testing. Allele origin: germline.
Comment: Algorithms developed to predict the effect of sequence changes on RNA splicing suggest that this variant may disrupt the consensus splice site. For these reasons, this variant has been classified as Pathogenic. Disruption of this splice site has been observed in individuals with ABCA4-related retinal dystrophy (PMID: 31934596; Invitae). This variant is not present in population databases (ExAC no frequency). This sequence change affects an acceptor splice site in intron 33 of the ABCA4 gene. It is expected to disrupt RNA splicing. Variants that disrupt the donor or acceptor splice site typically lead to a loss of protein function (PMID: 16199547), and loss-of-function variants in ABCA4 are known to be pathogenic (PMID: 10958761, 24938718, 25312043, 26780318).

Literature cited by the submitters: PubMed 31934596; PubMed 16199547; PubMed 10958761; PubMed 24938718; PubMed 25312043; PubMed 26780318.